The following is an entry in ClinVar:

NM_005982.4(SIX1):c.313G>T (p.Ala105Ser)

Gene: SIX1 (SIX homeobox 1; minus strand). Cytogenetic location: 14q23.1.
Variant type: single nucleotide variant.
Coding change: c.313G>T on transcript NM_005982.4 (MANE Select); coding-DNA position 313, G replaced by T.
Protein change: p.Ala105Ser; replaces alanine 105 with serine.
Molecular consequence: missense variant.
Genome position (GRCh38, 1-based): chr14:60,648,877, C>A on the plus strand (G>T on the coding strand, the complement: SIX1 is on the minus strand). VCF-style: chr14-60648877-C-A. GRCh37 (hg19) VCF-style: chr14-61115595-C-A.
Other names: short protein forms A105S.
Identifiers: ClinVar variation 1064897 (VCV001064897.3), dbSNP rs2140241237, ClinGen allele CA389910578.

ClinVar aggregate classification (germline): Uncertain significance (1 of 4 stars; one submission).

Conditions:
Hearing impairment. Also called: Impaired Hearing. Identifiers: MedGen C1384666, MONDO:0005365, HP:0000365.

Submission:

Department of Otolaryngology – Head & Neck Surgery, Cochlear Implant Center
Classification: Uncertain significance for Hearing impairment. Last evaluated: 2021-04-12. Review status: criteria provided, single submitter. Criteria: ClinGen HL ACMG Specifications v1. Collection method: clinical testing. Allele origin: germline. Affected: yes.
Comment: PM2_Moderate, PP3_Supporting